The following is an entry in ClinVar:

NM_001367624.2(ZNF469):c.10573G>C (p.Glu3525Gln)

Gene: ZNF469 (zinc finger protein 469; plus strand). Cytogenetic location: 16q24.2.
Variant type: single nucleotide variant.
Coding change: c.10573G>C on transcript NM_001367624.2 (MANE Select); coding-DNA position 10573, G replaced by C.
Protein change: p.Glu3525Gln; replaces glutamic acid 3525 with glutamine.
Molecular consequence: missense variant.
Genome position (GRCh38, 1-based): chr16:88,438,043, G>C. VCF-style: chr16-88438043-G-C. GRCh37 (hg19) VCF-style: chr16-88504451-G-C.
Other names: NM_001127464.1:c.10489G>C; short protein forms E3525Q.
Identifiers: ClinVar variation 1908141 (VCV001908141.3), dbSNP rs273585628, ClinGen allele CA397127252.

ClinVar aggregate classification (germline): Uncertain significance. Review status: criteria provided, multiple submitters, no conflicts (2 of 4 stars). 2 submissions from 2 submitters: Uncertain significance (2). Last evaluated 2023-02-18.

Conditions:
Cardiovascular phenotype. Identifiers: MedGen CN230736.

gnomAD v4.1: 1 of 1,550,236 alleles (0.000065%); highest among the groups gnomAD compares: Admixed American, 0.002%; no homozygotes.

Submissions (2):

Ambry Genetics
Classification: Uncertain significance for Cardiovascular phenotype. Last evaluated: 2023-02-18. Review status: criteria provided, single submitter. Criteria: Ambry Variant Classification Scheme 2023. Collection method: clinical testing. Allele origin: germline.
Comment: The p.E3497Q variant (also known as c.10489G>C), located in coding exon 2 of the ZNF469 gene, results from a G to C substitution at nucleotide position 10489. The glutamic acid at codon 3497 is replaced by glutamine, an amino acid with highly similar properties. This amino acid position is conserved. In addition, this alteration is predicted to be tolerated by in silico analysis. Since supporting evidence is limited at this time, the clinical significance of this alteration remains unclear.

Labcorp Genetics (formerly Invitae), Labcorp
Classification: Uncertain significance. Last evaluated: 2022-03-04. Review status: criteria provided, single submitter. Criteria: Invitae Variant Classification Sherloc (09022015). Collection method: clinical testing. Allele origin: germline.
Comment: This sequence change replaces glutamic acid, which is acidic and polar, with glutamine, which is neutral and polar, at codon 3497 of the ZNF469 protein (p.Glu3497Gln). This variant is not present in population databases (gnomAD no frequency). This variant has not been reported in the literature in individuals affected with ZNF469-related conditions. Algorithms developed to predict the effect of missense changes on protein structure and function output the following: SIFT: "Tolerated"; PolyPhen-2: "Benign"; Align-GVGD: "Class C0". The glutamine amino acid residue is found in multiple mammalian species, which suggests that this missense change does not adversely affect protein function. In summary, the available evidence is currently insufficient to determine the role of this variant in disease. Therefore, it has been classified as a Variant of Uncertain Significance.